The following is an entry in ClinVar:

NM_001267550.2(TTN):c.21172G>C (p.Gly7058Arg)

Genes: TTN (titin; minus strand), LOC126806428 (BRD4-independent group 4 enhancer GRCh37_chr2:179588362-179589561; plus strand). Cytogenetic location: 2q31.2.
Variant type: single nucleotide variant.
Coding change: c.21172G>C on transcript NM_001267550.2 (MANE Select); coding-DNA position 21172, G replaced by C.
Protein change: p.Gly7058Arg; replaces glycine 7058 with arginine.
Molecular consequence: missense variant. On other transcripts: intron variant (3).
Genome position (GRCh38, 1-based): chr2:178,724,087, C>G on the plus strand (G>C on the coding strand, the complement: TTN is on the minus strand). VCF-style: chr2-178724087-C-G. GRCh37 (hg19) VCF-style: chr2-179588814-C-G.
Other names: c.20221G>C, p.Gly6741Arg (NM_001256850.1); c.17440G>C, p.Gly5814Arg (NM_133378.4); c.13282+13995G>C (NM_003319.4); c.13858+13995G>C (NM_133437.4); c.13657+13995G>C (NM_133432.3); short protein forms G5814R, G7058R, G6741R.
Identifiers: ClinVar variation 192016 (VCV000192016.4), dbSNP rs786205401, ClinGen allele CA238111.

ClinVar aggregate classification (germline): Uncertain significance. Review status: criteria provided, multiple submitters, no conflicts (2 of 4 stars). 4 submissions from 4 submitters: Uncertain significance (4). Last evaluated 2025-05-28.

Conditions:
TTN-related disorder. Also called: TTN-related condition; TTN-related disease; TTN-related disorders.
Tibial muscular dystrophy (TMD). Also called: Udd Distal Myopathy – Tibial Muscular Dystrophy; UDD MYOPATHY; Tibial muscular dystrophy, tardive. Identifiers: Orphanet 609, MedGen C1838244, MONDO:0010870, OMIM 600334.
Myopathy, myofibrillar, 9, with early respiratory failure (MFM9). Also called: Hereditary myopathy with early respiratory failure; EDSTROM MYOPATHY; MYOPATHY, PROXIMAL, WITH EARLY RESPIRATORY MUSCLE INVOLVEMENT; Myopathy, distal, with early respiratory failure, autosomal dominant. Identifiers: Orphanet 178464, Orphanet 34521, MedGen C1863599, MONDO:0011362, OMIM 603689.
Dilated cardiomyopathy 1G (CMD1G). Identifiers: Orphanet 154, MedGen C1858763, MONDO:0011400, OMIM 604145.
Hypertrophic cardiomyopathy 9. Also called: Familial hypertrophic cardiomyopathy 9. Identifiers: MedGen C1861065, MONDO:0013412, OMIM 613765.
Autosomal recessive limb-girdle muscular dystrophy type 2J (LGMDR10). Also called: Limb-girdle muscular dystrophy, type 2J; MUSCULAR DYSTROPHY, LIMB-GIRDLE, AUTOSOMAL RECESSIVE 10. Identifiers: Orphanet 140922, MedGen C1837342, MONDO:0012127, OMIM 608807.
Early-onset myopathy with fatal cardiomyopathy (CMYO5). Also called: CONGENITAL MYOPATHY 5 WITH CARDIOMYOPATHY; Salih Myopathy. Identifiers: Orphanet 289377, MedGen C2673677, MONDO:0012714, OMIM 611705. Disease mechanism: loss of function.

Allele frequency attached by ClinVar (database versions not stated): gnomAD 0.00001; TOPMed 0.00002.
gnomAD v4.1: 2 of 1,613,242 alleles (0.00012%); highest among the groups gnomAD compares: African/African-American, 0.0027%; no homozygotes.

Submissions (4):

PreventionGenetics, part of Exact Sciences
Classification: Uncertain significance for TTN-related condition. Last evaluated: 2025-05-28. Review status: criteria provided, single submitter. Criteria: ACMG Guidelines, 2015. Collection method: clinical testing. Allele origin: germline.
Comment: The TTN c.21172G>C variant is predicted to result in the amino acid substitution p.Gly7058Arg. To our knowledge, this variant has not been reported in the literature. This variant is reported in 0.011% of alleles in individuals of African descent in gnomAD. At this time, the clinical significance of this variant is uncertain due to the absence of conclusive functional and genetic evidence.

Women's Health and Genetics/Laboratory Corporation of America, LabCorp
Classification: Uncertain significance. Last evaluated: 2023-08-19. Review status: criteria provided, single submitter. Criteria: LabCorp Variant Classification Summary - May 2015. Collection method: clinical testing. Allele origin: germline.

Fulgent Genetics
Classification: Uncertain significance for Tibial muscular dystrophy; Myopathy, myofibrillar, 9, with early respiratory failure; Dilated cardiomyopathy 1G; Autosomal recessive limb-girdle muscular dystrophy type 2J; Early-onset myopathy with fatal cardiomyopathy; Hypertrophic cardiomyopathy 9. Last evaluated: 2021-12-05. Review status: criteria provided, single submitter. Criteria: ACMG Guidelines, 2015. Collection method: clinical testing. Allele origin: unknown.

Biesecker Lab/Clinical Genomics Section, National Institutes of Health
Classification: Uncertain significance. Last evaluated: 2013-06-24. Review status: criteria provided, single submitter. Criteria: Ng et al. (Circ Cardiovasc Genet. 2013). Collection method: research. Allele origin: unknown. Observed: 1 variant allele. Study: ClinSeq.
Comment: The study set was not selected for affection status in relation to any cancer. Pathogenicity categories were based on literature curation. See Pubmed ID:23861362 for details.

Medical sequencing